The following is an entry in ClinVar:

ClinVar aggregate classification (germline): Uncertain significance (1 of 4 stars; one submission).

Conditions:
Glycogen storage disease, type IV (GSD4). Also called: AMYLOPECTINOSIS; ANDERSEN DISEASE; BRANCHER DEFICIENCY; CIRRHOSIS, FAMILIAL, WITH DEPOSITION OF ABNORMAL GLYCOGEN; GBE1 DEFICIENCY; GLYCOGEN BRANCHING ENZYME DEFICIENCY. Identifiers: Orphanet 367, MedGen C0017923, MONDO:0009292, OMIM 232500.
Glycogen storage disease IV, classic hepatic. Also called: GSD IV, CLASSIC HEPATIC. Identifiers: MedGen C1856301.

gnomAD v4.1: 1 of 1,607,496 alleles (0.000062%); highest among the groups gnomAD compares: Non-Finnish European, 0.000085%; no homozygotes.

Submission:

Labcorp Genetics (formerly Invitae), Labcorp
Classification: Uncertain significance for Glycogen storage disease, type IV; Glycogen storage disease IV, classic hepatic. Last evaluated: 2024-10-08. Review status: criteria provided, single submitter. Criteria: Invitae Variant Classification Sherloc (09022015). Collection method: clinical testing. Allele origin: germline.
Comment: This sequence change replaces alanine, which is neutral and non-polar, with proline, which is neutral and non-polar, at codon 3 of the GBE1 protein (p.Ala3Pro). This variant is not present in population databases (gnomAD no frequency). This variant has not been reported in the literature in individuals affected with GBE1-related conditions. Invitae Evidence Modeling of protein sequence and biophysical properties (such as structural, functional, and spatial information, amino acid conservation, physicochemical variation, residue mobility, and thermodynamic stability) indicates that this missense variant is not expected to disrupt GBE1 protein function with a negative predictive value of 95%. In summary, the available evidence is currently insufficient to determine the role of this variant in disease. Therefore, it has been classified as a Variant of Uncertain Significance.

NM_000158.4(GBE1):c.7G>C (p.Ala3Pro)

Gene: GBE1 (1,4-alpha-glucan branching enzyme 1; minus strand). Cytogenetic location: 3p12.2.
Variant type: single nucleotide variant.
Coding change: c.7G>C on transcript NM_000158.4 (MANE Select); coding-DNA position 7, G replaced by C.
Protein change: p.Ala3Pro; replaces alanine 3 with proline.
Molecular consequence: missense variant.
Genome position (GRCh38, 1-based): chr3:81,761,511, C>G on the plus strand (G>C on the coding strand, the complement: GBE1 is on the minus strand). VCF-style: chr3-81761511-C-G. GRCh37 (hg19) VCF-style: chr3-81810662-C-G.
Other names: short protein forms A3P.
Identifiers: ClinVar variation 3752610 (VCV003752610.2).
Genomic context (GRCh38, chr3:81,761,511, plus strand): 5'-CCAGGGCGGCATTGAGCGCCGCCTCGTAGTCCTCGGGCCGAGCCGCGGGAGTCATCGGAG[C>G]CGCCATATTCCGCCGCAGTCCAAGTAGCCGAGGCCCGAGAGGTCGAGTGGGGCCTGAGCG-3'
Protein context (NP_000149.4, residues 1-13): MA[Ala3Pro]PMTPAARPED